The following is an entry in ClinVar:

NM_031935.3(HMCN1):c.6228C>T (p.Ser2076=)

Gene: HMCN1 (hemicentin 1; plus strand). Cytogenetic location: 1q31.1.
Variant type: single nucleotide variant.
Coding change: c.6228C>T on transcript NM_031935.3 (MANE Select); coding-DNA position 6228, C replaced by T.
Protein change: p.Ser2076=; no amino-acid change (serine 2076 retained).
Molecular consequence: synonymous variant.
Genome position (GRCh38, 1-based): chr1:186,041,060, C>T. VCF-style: chr1-186041060-C-T. GRCh37 (hg19) VCF-style: chr1-186010192-C-T.
Identifiers: ClinVar variation 875609 (VCV000875609.9), dbSNP rs777752487, ClinGen allele CA1292498.

ClinVar aggregate classification (germline): Conflicting classifications of pathogenicity. Review status: criteria provided, conflicting classifications (1 of 4 stars). 3 submissions from 3 submitters: Uncertain significance (1); Likely benign (2). Last evaluated 2026-04-29.

Conditions:
HMCN1-related disorder. Also called: HMCN1-related condition.
Age related macular degeneration 1 (ARMD1). Also called: MACULOPATHY, AGE-RELATED, 1. Identifiers: MedGen C1864205, MONDO:0011285, OMIM 603075.

Allele frequency attached by ClinVar (database versions not stated): ExAC 0.00001; gnomAD 0.00001; gnomAD exomes 0.00002; TOPMed 0.00002.
gnomAD v4.1: 30 of 1,612,544 alleles (0.0019%); highest among the groups gnomAD compares: South Asian, 0.0033%; no homozygotes.

Submissions (3):

PreventionGenetics, part of Exact Sciences
Classification: Likely benign for HMCN1-related condition. Last evaluated: 2026-04-29. Review status: criteria provided, single submitter. Criteria: ACMG Guidelines, 2015. Collection method: clinical testing. Allele origin: germline.
Comment: This variant is classified as likely benign based on ACMG/AMP sequence variant interpretation guidelines (Richards et al. 2015 PMID: 25741868, with internal and published modifications).

Labcorp Genetics (formerly Invitae), Labcorp
Classification: Likely benign. Last evaluated: 2022-08-21. Review status: criteria provided, single submitter. Criteria: Invitae Variant Classification Sherloc (09022015). Collection method: clinical testing. Allele origin: germline.

Illumina Laboratory Services, Illumina
Classification: Uncertain significance for Age related macular degeneration 1. Last evaluated: 2018-01-13. Review status: criteria provided, single submitter. Criteria: ICSL Variant Classification Criteria 13 December 2019. Collection method: clinical testing. Allele origin: germline.